The following is an entry in ClinVar:

ClinVar aggregate classification (germline): Uncertain significance (1 of 4 stars; one submission).

Conditions:
Kabuki syndrome. Also called: Kabuki make-up syndrome; NIIKAWA-KUROKI SYNDROME. Identifiers: Orphanet 2322, MedGen C0796004, MONDO:0016512.

Submission:

Labcorp Genetics (formerly Invitae), Labcorp
Classification: Uncertain significance for Kabuki syndrome. Last evaluated: 2022-12-12. Review status: criteria provided, single submitter. Criteria: Invitae Variant Classification Sherloc (09022015). Collection method: clinical testing. Allele origin: germline.
Comment: In summary, the available evidence is currently insufficient to determine the role of this variant in disease. Therefore, it has been classified as a Variant of Uncertain Significance. Advanced modeling of protein sequence and biophysical properties (such as structural, functional, and spatial information, amino acid conservation, physicochemical variation, residue mobility, and thermodynamic stability) performed at Invitae indicates that this missense variant is not expected to disrupt KMT2D protein function. This sequence change replaces aspartic acid, which is acidic and polar, with asparagine, which is neutral and polar, at codon 1114 of the KMT2D protein (p.Asp1114Asn). This variant is not present in population databases (gnomAD no frequency). This variant has not been reported in the literature in individuals affected with KMT2D-related conditions.

NM_003482.4(KMT2D):c.3340G>A (p.Asp1114Asn)

Gene: KMT2D (lysine methyltransferase 2D; minus strand). Cytogenetic location: 12q13.12.
Variant type: single nucleotide variant.
Coding change: c.3340G>A on transcript NM_003482.4 (MANE Select); coding-DNA position 3340, G replaced by A.
Protein change: p.Asp1114Asn; replaces aspartic acid 1114 with asparagine.
Molecular consequence: missense variant.
Genome position (GRCh38, 1-based): chr12:49,050,248, C>T on the plus strand (G>A on the coding strand, the complement: KMT2D is on the minus strand). VCF-style: chr12-49050248-C-T. GRCh37 (hg19) VCF-style: chr12-49444031-C-T.
Other names: short protein forms D1114N.
Identifiers: ClinVar variation 2965856 (VCV002965856.3), dbSNP rs2120647797, ClinGen allele CA384657323.